The following is an entry in ClinVar:

ClinVar aggregate classification (germline): Uncertain significance (1 of 4 stars; one submission).

gnomAD v4.1: 32 of 1,614,230 alleles (0.002%); highest among the groups gnomAD compares: Non-Finnish European, 0.0026%; no homozygotes.

Submission:

GeneDx
Classification: Uncertain significance. Last evaluated: 2023-12-07. Review status: criteria provided, single submitter. Criteria: GeneDx Variant Classification Process June 2021. Collection method: clinical testing. Allele origin: germline. Affected: yes.
Comment: Not observed at significant frequency in large population cohorts (gnomAD); In silico analysis supports that this missense variant does not alter protein structure/function; Has not been previously published as pathogenic or benign to our knowledge

NM_033109.5(PNPT1):c.1963A>G (p.Ser655Gly)

Gene: PNPT1 (polyribonucleotide nucleotidyltransferase 1; minus strand). Cytogenetic location: 2p16.1.
Variant type: single nucleotide variant.
Coding change: c.1963A>G on transcript NM_033109.5 (MANE Select); coding-DNA position 1963, A replaced by G.
Protein change: p.Ser655Gly; replaces serine 655 with glycine.
Molecular consequence: missense variant.
Genome position (GRCh38, 1-based): chr2:55,643,369, T>C on the plus strand (A>G on the coding strand, the complement: PNPT1 is on the minus strand). VCF-style: chr2-55643369-T-C. GRCh37 (hg19) VCF-style: chr2-55870504-T-C.
Other names: short protein forms S655G.
Identifiers: ClinVar variation 3338713 (VCV003338713.1).
Genomic context (GRCh38, chr2:55,643,369, plus strand): 5'-CTATACTTACATCATCCTTGCAGATTTCAGTAATGAAGTCTCTTGCCTCATGCATAGCAC[T>C]GGGTGTTGGTGCAAATACAGAAAACGTTTCTTCATCCACCTGACTAATAGTTACACCTTT-3'
Protein context (NP_149100.2, residues 645-665): ETFSVFAPTP[Ser655Gly]AMHEARDFIT